The following is an entry in ClinVar:

ClinVar aggregate classification (germline): Uncertain significance (1 of 4 stars; one submission).

Conditions:
Charcot-Marie-Tooth disease type 4B2. Also called: Charcot-Marie-Tooth Neuropathy Type 4B2; CHARCOT-MARIE-TOOTH DISEASE, WITH FOCALLY FOLDED MYELIN SHEATHS, AUTOSOMAL RECESSIVE, TYPE 4B2; CMT 4B2; CHARCOT-MARIE-TOOTH DISEASE, DEMYELINATING, TYPE 4B2. Identifiers: Orphanet 99956, MedGen C1858278, MONDO:0011475, OMIM 604563.
Charcot-Marie-Tooth disease type 4. Also called: Charcot-Marie-Tooth, Type 4; Charcot-Marie-Tooth disease, type IV. Identifiers: Orphanet 64749, MedGen C4082197, MONDO:0018995.

Allele frequency attached by ClinVar (database versions not stated): gnomAD 0.00001; gnomAD exomes 0.00001 and 0.00002; TOPMed 0.00002; ExAC 0.00004.
gnomAD v4.1: 20 of 1,613,952 alleles (0.0012%); highest among the groups gnomAD compares: Middle Eastern, 0.017%; no homozygotes.

Submission:

Labcorp Genetics (formerly Invitae), Labcorp
Classification: Uncertain significance for Charcot-Marie-Tooth disease type 4. Last evaluated: 2022-07-12. Review status: criteria provided, single submitter. Criteria: Invitae Variant Classification Sherloc (09022015). Collection method: clinical testing. Allele origin: germline.
Comment: This sequence change replaces glycine, which is neutral and non-polar, with arginine, which is basic and polar, at codon 780 of the SBF2 protein (p.Gly780Arg). This variant is present in population databases (rs775404093, gnomAD 0.008%). This variant has not been reported in the literature in individuals affected with SBF2-related conditions. ClinVar contains an entry for this variant (Variation ID: 476916). Algorithms developed to predict the effect of missense changes on protein structure and function (SIFT, PolyPhen-2, Align-GVGD) all suggest that this variant is likely to be tolerated. In summary, the available evidence is currently insufficient to determine the role of this variant in disease. Therefore, it has been classified as a Variant of Uncertain Significance.

NM_030962.4(SBF2):c.2338G>A (p.Gly780Arg)

Genes: SBF2 (SET binding factor 2; minus strand), LOC101928008 (uncharacterized LOC101928008; plus strand). Cytogenetic location: 11p15.4.
Variant type: single nucleotide variant.
Coding change: c.2338G>A on transcript NM_030962.4 (MANE Select); coding-DNA position 2338, G replaced by A.
Protein change: p.Gly780Arg; replaces glycine 780 with arginine.
Molecular consequence: missense variant.
Genome position (GRCh38, 1-based): chr11:9,856,483, C>T on the plus strand (G>A on the coding strand, the complement: SBF2 is on the minus strand). VCF-style: chr11-9856483-C-T. GRCh37 (hg19) VCF-style: chr11-9878030-C-T.
Other names: c.2338G>A, p.Gly780Arg (NM_001386339.1); c.2209G>A, p.Gly737Arg (NM_001386342.1); short protein forms G780R, G737R.
Identifiers: ClinVar variation 476916 (VCV000476916.5), dbSNP rs775404093, ClinGen allele CA5881587.
Genomic context (GRCh38, chr11:9,856,483, plus strand): 5'-GTAGGAGGAGGGTCTGTGTGTTCACATTTTGGTACCTGTTTGTGACAATGCTGTTGCTTC[C>T]GCTCTCCCAGTCACCTGGCGCTGATGTTCTTAGGAGCTTGTTTTTACTTGTGTCGAGTGG-3'
Protein context (NP_112224.1, residues 770-790): RTSAPGDWES[Gly780Arg]SNSIVTNSIA